The following is an entry in ClinVar:

NM_000147.5(FUCA1):c.969+237G>C

Gene: FUCA1 (alpha-L-fucosidase 1; minus strand). Cytogenetic location: 1p36.11.
Variant type: single nucleotide variant.
Coding change: c.969+237G>C on transcript NM_000147.5 (MANE Select); 237 bases into the intron after coding-DNA position 969, G replaced by C.
Molecular consequence: intron variant.
Genome position (GRCh38, 1-based): chr1:23,854,123, C>G on the plus strand (G>C on the coding strand, the complement: FUCA1 is on the minus strand). VCF-style: chr1-23854123-C-G. GRCh37 (hg19) VCF-style: chr1-24180613-C-G.
Identifiers: ClinVar variation 683937 (VCV000683937.1), dbSNP rs35993651, ClinGen allele CA10951820.
Genomic context (GRCh38, chr1:23,854,123, plus strand): 5'-AGAATAAATAAATAAATAAATAAATAAATAAAAAACTGGACACCCTACTACCCACACCCA[C>G]TTTAAGATATAGATTACAACCAACACCGTTAAAGCCCTTTTGCATGCCCTTCTCCATCCC-3'

ClinVar aggregate classification (germline): Benign (1 of 4 stars; one submission).

Allele frequency attached by ClinVar (database versions not stated): 1000 Genomes Project 30x 0.40100; 1000 Genomes Project 0.40176; TOPMed 0.41330; gnomAD 0.41354 and 0.41742.
gnomAD v4.1: 62,619 of 151,254 alleles (41%); highest among the groups gnomAD compares: East Asian, 47%; 12,856 homozygotes.

Submission:

GeneDx
Classification: Benign. Last evaluated: 2018-06-19. Review status: criteria provided, single submitter. Criteria: GeneDx Variant Classification (06012015). Collection method: clinical testing. Allele origin: germline. Affected: yes.
Comment: This variant is considered likely benign or benign based on one or more of the following criteria: it is a conservative change, it occurs at a poorly conserved position in the protein, it is predicted to be benign by multiple in silico algorithms, and/or has population frequency not consistent with disease.